The following is an entry in ClinVar:

NM_001278116.2(L1CAM):c.2878G>T (p.Glu960Ter)

Gene: L1CAM (L1 cell adhesion molecule; minus strand). Cytogenetic location: Xq28.
Variant type: single nucleotide variant.
Coding change: c.2878G>T on transcript NM_001278116.2 (MANE Select); coding-DNA position 2878, G replaced by T.
Protein change: p.Glu960Ter; replaces glutamic acid 960 with a stop codon.
Molecular consequence: nonsense.
Genome position (GRCh38, 1-based): chrX:153,864,989, C>A on the plus strand (G>T on the coding strand, the complement: L1CAM is on the minus strand). VCF-style: chrX-153864989-C-A. GRCh37 (hg19) VCF-style: chrX-153130444-C-A.
Other names: c.2878G>T, p.Glu960Ter (NM_000425.5, NM_024003.3); c.2863G>T, p.Glu955Ter (NM_001143963.2); short protein forms E955*, E960*.
Identifiers: ClinVar variation 3629972 (VCV003629972.1).

ClinVar aggregate classification (germline): Pathogenic (1 of 4 stars; one submission).

Conditions:
L1 syndrome. Identifiers: Orphanet 275543, MedGen C5779710, MONDO:0017140.

Submission:

Women's Health and Genetics/Laboratory Corporation of America, LabCorp
Classification: Pathogenic for L1 syndrome. Last evaluated: 2024-11-20. Review status: criteria provided, single submitter. Criteria: LabCorp Variant Classification Summary - May 2015. Collection method: clinical testing. Allele origin: germline.
Comment: Variant summary: L1CAM c.2878G>T (p.Glu960X) results in a premature termination codon, predicted to cause a truncation of the encoded protein or absence of the protein due to nonsense mediated decay, which are commonly known mechanisms for disease. The variant was absent in 183338 control chromosomes. To our knowledge, no occurrence of c.2878G>T in individuals affected with L1 Syndrome and no experimental evidence demonstrating its impact on protein function have been reported. No submitters have cited clinical-significance assessments for this variant to ClinVar. Based on the evidence outlined above, the variant was classified as pathogenic.